The following is an entry in ClinVar:

ClinVar aggregate classification (germline): Likely benign (0 of 4 stars; one submission).

Conditions:
CIC-related disorder. Also called: CIC-related condition.

Allele frequency attached by ClinVar (database versions not stated): gnomAD exomes below 0.00001; gnomAD 0.00001; TOPMed 0.00001.

Submission:

PreventionGenetics, part of Exact Sciences
Classification: Likely benign for CIC-related condition. Last evaluated: 2023-09-06. Review status: no assertion criteria provided. Collection method: clinical testing. Allele origin: germline.
Comment: This variant is classified as likely benign based on ACMG/AMP sequence variant interpretation guidelines (Richards et al. 2015 PMID: 25741868, with internal and published modifications).

NM_001386298.1(CIC):c.1296G>A (p.Val432=)

Gene: CIC (capicua transcriptional repressor; plus strand). Cytogenetic location: 19q13.2.
Variant type: single nucleotide variant.
Coding change: c.1296G>A on transcript NM_001386298.1 (MANE Select); coding-DNA position 1296, G replaced by A.
Protein change: p.Val432=; no amino-acid change (valine 432 retained).
Molecular consequence: synonymous variant.
Genome position (GRCh38, 1-based): chr19:42,273,079, G>A. VCF-style: chr19-42273079-G-A. GRCh37 (hg19) VCF-style: chr19-42777231-G-A.
Other names: c.1296G>A, p.Val432= (NM_001304815.2, NM_001379480.1, NM_001379482.1 and 1 more transcripts).
Identifiers: ClinVar variation 3044261 (VCV003044261.2), dbSNP rs1473397823, ClinGen allele CA507701606.